The following is an entry in ClinVar:

NM_001122681.2(SH3BP2):c.*2012G>A

Gene: SH3BP2 (SH3 domain binding protein 2; plus strand). Cytogenetic location: 4p16.3.
Variant type: single nucleotide variant.
Coding change: c.*2012G>A on transcript NM_001122681.2 (MANE Select); 2012 bases downstream of the stop codon, G replaced by A.
Molecular consequence: 3 prime UTR variant.
Genome position (GRCh38, 1-based): chr4:2,835,846, G>A. VCF-style: chr4-2835846-G-A. GRCh37 (hg19) VCF-style: chr4-2837573-G-A.
Other names: c.*2012G>A (LRG_1334t2, LRG_1334t1, NM_001145855.2 and 2 more transcripts).
Identifiers: ClinVar variation 348627 (VCV000348627.5), dbSNP rs147974238, ClinGen allele CA10620918.

ClinVar aggregate classification (germline): Benign (1 of 4 stars; one submission).

Conditions:
Fibrous dysplasia of jaw (CRBM). Also called: Cherubism. Identifiers: Orphanet 184, MedGen C0008029, MONDO:0007315, OMIM 118400.

Allele frequency attached by ClinVar (database versions not stated): gnomAD 0.03047 and 0.03266; 1000 Genomes Project 0.03375; TOPMed 0.03467; 1000 Genomes Project 30x 0.03592.

Submission:

Illumina Laboratory Services, Illumina
Classification: Benign for Fibrous dysplasia of jaw. Last evaluated: 2018-01-13. Review status: criteria provided, single submitter. Criteria: ICSL Variant Classification Criteria 13 December 2019. Collection method: clinical testing. Allele origin: germline.
Comment: This variant was observed in the ICSL laboratory as part of a predisposition screen in an ostensibly healthy population. It had not been previously curated by ICSL or reported in the Human Gene Mutation Database (HGMD: prior to June 1st, 2018), and was therefore a candidate for classification through an automated scoring system. Utilizing variant allele frequency, disease prevalence and penetrance estimates, and inheritance mode, an automated score was calculated to assess if this variant is too frequent to cause the disease. Based on the score and internal cut-off values, a variant classified as benign is not then subjected to further curation. The score for this variant resulted in a classification of benign for this disease.